The following is an entry in ClinVar:

ClinVar aggregate classification (germline): Likely benign. Review status: criteria provided, multiple submitters, no conflicts (2 of 4 stars). 5 submissions from 5 submitters: Likely benign (4). 1 of the submissions does not count toward it. Last evaluated 2026-05-12.

Conditions:
ZNF469-related disorder. Also called: ZNF469-related condition.
Cardiovascular phenotype. Identifiers: MedGen CN230736.

Submissions (5):

Women's Health and Genetics/Laboratory Corporation of America, LabCorp
Classification: Likely benign. Last evaluated: 2026-05-12. Review status: criteria provided, single submitter. Criteria: LabCorp Variant Classification Summary - May 2015. Collection method: clinical testing. Allele origin: germline.
Comment: Variant summary: ZNF469 c.10476_10478delTCC (p.Pro3493del) results in an in-frame deletion that is predicted to remove one amino acid from the encoded protein. The variant allele was found at a frequency of 0.00044 in 144178 control chromosomes, predominantly at a frequency of 0.0073 within the African or African-American subpopulation in the gnomAD database. The observed variant frequency within African or African-American control individuals in the gnomAD database exceeds the estimated maximal expected allele frequency for disease-causing variants in ZNF469. To our knowledge, no occurrence of c.10476_10478delTCC in individuals affected with ZNF469-related conditions and no experimental evidence demonstrating its impact on protein function have been reported. ClinVar contains an entry for this variant (Variation ID: 506598). Based on the evidence outlined above, the variant was classified as likely benign.

Labcorp Genetics (formerly Invitae), Labcorp
Classification: Likely benign. Last evaluated: 2026-02-02. Review status: criteria provided, single submitter. Criteria: Invitae Variant Classification Sherloc (09022015). Collection method: clinical testing. Allele origin: germline.

GeneDx
Classification: Likely benign. Last evaluated: 2023-02-17. Review status: criteria provided, single submitter. Criteria: GeneDx Variant Classification Process June 2021. Collection method: clinical testing. Allele origin: germline. Affected: yes.
Comment: See Variant Classification Assertion Criteria.

Ambry Genetics
Classification: Likely benign for Cardiovascular phenotype. Last evaluated: 2020-03-19. Review status: criteria provided, single submitter. Criteria: Ambry Variant Classification Scheme 2023. Collection method: clinical testing. Allele origin: germline.

PreventionGenetics, part of Exact Sciences
Classification: Benign for ZNF469-related condition. Last evaluated: 2020-03-09. Review status: no assertion criteria provided. Collection method: clinical testing. Allele origin: germline. Not counted in ClinVar's aggregate classification.
Comment: This variant is classified as benign based on ACMG/AMP sequence variant interpretation guidelines (Richards et al. 2015 PMID: 25741868, with internal and published modifications).

NM_001367624.2(ZNF469):c.10473TCC[1] (p.Pro3493del)

Gene: ZNF469 (zinc finger protein 469; plus strand). Cytogenetic location: 16q24.2.
Variant type: Microsatellite.
Coding change: c.10473TCC[1] on transcript NM_001367624.2 (MANE Select); one copy of the 3-base unit TCC starting at c.10473; the reference has two copies in a row; one copy, 3 bases deleted.
Protein change: p.Pro3493del; deletes proline 3493.
Molecular consequence: inframe deletion.
Genome position (GRCh38, 1-based): chr16:88,437,946-88,437,948, TCC deleted; deleting any 3 consecutive bases within chr16:88,437,941-88,437,948 gives the same sequence; the position shown is the placement nearest the transcript's 3' end. VCF-style (leftmost placement, unchanged base first): chr16-88437940-GCCT-G. GRCh37 (hg19) VCF-style: chr16-88504348-GCCT-G.
Other names: NM_001127464.1:c.10392_10394delTCC; NM_001127464.1:c.10389TCC[1]; NM_001127464.1:c.10392_10394del; NM_001127464.2:c.10392_10394delTCC; c.10476_10478delTCC (NM_001367624.2); short protein forms P3493del.
Identifiers: ClinVar variation 506598 (VCV000506598.18), dbSNP rs145451469, ClinGen allele CA8225517.
Genomic context (GRCh38, chr16:88,437,940, plus strand): 5'-GCCCAGCAAACGGCGCAGGGTGGCCATGCCCGGCAGTGCCCCTGGGCCCGGCGAGGACAG[GCCT>G]CCTCCCCGGGGAAGCAGCCCCATCCTGAGTGAGGGCTCTCTCCCGGCCCTGCTCCACCTG-3'